The following is an entry in ClinVar:

ClinVar aggregate classification (germline): Uncertain significance (1 of 4 stars; one submission).

Conditions:
Cardiovascular phenotype. Identifiers: MedGen CN230736.

gnomAD v4.1: 1 of 1,614,248 alleles (0.000062%); no homozygotes.

Submission:

Ambry Genetics
Classification: Uncertain significance for Cardiovascular phenotype. Last evaluated: 2026-01-06. Review status: criteria provided, single submitter. Criteria: Ambry Variant Classification Scheme 2023. Collection method: clinical testing. Allele origin: germline.
Comment: The p.S422G variant (also known as c.1264A>G), located in coding exon 9 of the ENG gene, results from an A to G substitution at nucleotide position 1264. The serine at codon 422 is replaced by glycine, an amino acid with similar properties. This amino acid position is conserved. In addition, this alteration is predicted to be tolerated by in silico analysis. Based on the available evidence, the clinical significance of this variant remains unclear.

NM_001114753.3(ENG):c.1264A>G (p.Ser422Gly)

Genes: ENG (endoglin; minus strand), LOC102723566 (uncharacterized LOC102723566; plus strand). Cytogenetic location: 9q34.11.
Variant type: single nucleotide variant.
Coding change: c.1264A>G on transcript NM_001114753.3 (MANE Select); coding-DNA position 1264, A replaced by G.
Protein change: p.Ser422Gly; replaces serine 422 with glycine.
Molecular consequence: missense variant.
Genome position (GRCh38, 1-based): chr9:127,819,908, T>C on the plus strand (A>G on the coding strand, the complement: ENG is on the minus strand). VCF-style: chr9-127819908-T-C. GRCh37 (hg19) VCF-style: chr9-130582187-T-C.
Other names: c.1264A>G, p.Ser422Gly (NM_000118.4); c.718A>G, p.Ser240Gly (NM_001278138.2); short protein forms S422G, S240G.
Identifiers: ClinVar variation 4843436 (VCV004843436.1).